The following is an entry in ClinVar:

NM_014043.4(CHMP2B):c.28G>A (p.Val10Met)

Gene: CHMP2B (charged multivesicular body protein 2B; plus strand). Cytogenetic location: 3p11.2.
Variant type: single nucleotide variant.
Coding change: c.28G>A on transcript NM_014043.4 (MANE Select); coding-DNA position 28, G replaced by A.
Protein change: p.Val10Met; replaces valine 10 with methionine.
Molecular consequence: missense variant. On other transcripts: 5 prime UTR variant (1).
Genome position (GRCh38, 1-based): chr3:87,227,550, G>A. VCF-style: chr3-87227550-G-A. GRCh37 (hg19) VCF-style: chr3-87276700-G-A.
Other names: c.-4G>A (NM_001244644.2); short protein forms V10M.
Identifiers: ClinVar variation 1508277 (VCV001508277.6), dbSNP rs1295215037, ClinGen allele CA353696320.
Genomic context (GRCh38, chr3:87,227,550, plus strand): 5'-CCGAGCCGGGCCGCCCGGGCGCAGTCTTTAACCATGGCGTCCCTCTTCAAGAAGAAAACC[G>A]TGGATGGTGAGTTCCAGGCCGGGCTGAAGGGGCCCAGCTCTGCGTTTTCTCGGCGTCTTT-3'
Protein context (NP_054762.2, residues 1-20): MASLFKKKT[Val10Met]DDVIKEQNRE

ClinVar aggregate classification (germline): Uncertain significance (1 of 4 stars; one submission).

Conditions:
Frontotemporal dementia and/or amyotrophic lateral sclerosis 7 (FTDALS7). Also called: Amyotrophic lateral sclerosis 17; AMYOTROPHIC LATERAL SCLEROSIS, CHMP2B-RELATED; CHMP2B-related frontotemporal dementia; CHMP2B-Related Frontotemporal Dementia-Amyotrophic Lateral Sclerosis. Identifiers: Orphanet 275864, Orphanet 282, Orphanet 803, MedGen C1833296, MONDO:0010936, OMIM 600795.

Allele frequency attached by ClinVar (database versions not stated): gnomAD exomes below 0.00001 and 0.00001.
gnomAD v4.1: 2 of 1,614,174 alleles (0.00012%); highest among the groups gnomAD compares: Admixed American, 0.0033%; no homozygotes.

Submission:

Labcorp Genetics (formerly Invitae), Labcorp
Classification: Uncertain significance for Frontotemporal dementia and/or amyotrophic lateral sclerosis 7. Last evaluated: 2025-11-03. Review status: criteria provided, single submitter. Criteria: Invitae Variant Classification Sherloc (09022015). Collection method: clinical testing. Allele origin: germline.
Comment: This sequence change replaces valine, which is neutral and non-polar, with methionine, which is neutral and non-polar, at codon 10 of the CHMP2B protein (p.Val10Met). This variant is present in population databases (no rsID available, gnomAD 0.006%). This variant has not been reported in the literature in individuals affected with CHMP2B-related conditions. ClinVar contains an entry for this variant (Variation ID: 1508277). An algorithm developed to predict the effect of missense changes on protein structure and function (PolyPhen-2) suggests that this variant is likely to be tolerated. In summary, the available evidence is currently insufficient to determine the role of this variant in disease. Therefore, it has been classified as a Variant of Uncertain Significance.